The following is an entry in ClinVar:

ClinVar aggregate classification (germline): Uncertain significance (1 of 4 stars; one submission).

gnomAD v4.1: 1 of 1,613,978 alleles (0.000062%); highest among the groups gnomAD compares: Non-Finnish European, 0.000085%; no homozygotes.

Submission:

Labcorp Genetics (formerly Invitae), Labcorp
Classification: Uncertain significance. Last evaluated: 2025-08-17. Review status: criteria provided, single submitter. Criteria: Invitae Variant Classification Sherloc (09022015). Collection method: clinical testing. Allele origin: germline.
Comment: This sequence change replaces alanine, which is neutral and non-polar, with serine, which is neutral and polar, at codon 3869 of the ANK3 protein (p.Ala3869Ser). This variant is not present in population databases (gnomAD no frequency). This variant has not been reported in the literature in individuals affected with ANK3-related conditions. An algorithm developed to predict the effect of missense changes on protein structure and function (PolyPhen-2) suggests that this variant is likely to be disruptive. In summary, the available evidence is currently insufficient to determine the role of this variant in disease. Therefore, it has been classified as a Variant of Uncertain Significance.

NM_020987.5(ANK3):c.11605G>T (p.Ala3869Ser)

Gene: ANK3 (ankyrin 3; minus strand). Cytogenetic location: 10q21.2.
Variant type: single nucleotide variant.
Coding change: c.11605G>T on transcript NM_020987.5 (MANE Select); coding-DNA position 11605, G replaced by T.
Protein change: p.Ala3869Ser; replaces alanine 3869 with serine.
Molecular consequence: missense variant. On other transcripts: intron variant (4).
Genome position (GRCh38, 1-based): chr10:60,069,276, C>A on the plus strand (G>T on the coding strand, the complement: ANK3 is on the minus strand). VCF-style: chr10-60069276-C-A. GRCh37 (hg19) VCF-style: chr10-61829034-C-A.
Other names: c.4388-1267G>T (NM_001204403.2); c.4409-1267G>T (NM_001204404.2); c.4406-1267G>T (NM_001320874.2); c.1808-1267G>T (NM_001149.4); short protein forms A3869S.
Identifiers: ClinVar variation 4701798 (VCV004701798.1).
Genomic context (GRCh38, chr10:60,069,276, plus strand): 5'-TTTTACTTGCTTTAGTGTTTGACATATGGTTCGGTGGGAAGGTATCTTTTGGTGAAGTGG[C>A]CTTTATGGGAAGTTTGGATTTTTGCCTAATCCCTATCAATTCCTTTGTTTTTTGCTGTTC-3'
Protein context (NP_066267.2, residues 3859-3879): IRQKSKLPIK[Ala3869Ser]TSPKDTFPPN